The following is an entry in ClinVar:

ClinVar aggregate classification (germline): Benign/Likely benign. Review status: criteria provided, multiple submitters, no conflicts (2 of 4 stars). 14 submissions from 13 submitters: Benign (7); Likely benign (6). 1 of the submissions does not count toward it. Last evaluated 2026-05-12.

Conditions:
COL11A2-related disorder. Also called: COL11A2-related disorders; COL11A2-related condition.
Connective tissue disorder. Also called: Connective tissue disease. Identifiers: MedGen C0009782, MONDO:0003900.
Fibrochondrogenesis 2 (FBCG2). Identifiers: Orphanet 2021, MedGen C3281128, MONDO:0013795, OMIM 614524.
Otospondylomegaepiphyseal dysplasia, autosomal recessive (OSMEDB). Also called: CHONDRODYSTROPHY WITH SENSORINEURAL DEAFNESS; Insley-Astley syndrome. Identifiers: Orphanet 1427, MedGen CN034493, MONDO:0044206, OMIM 215150.

Allele frequency attached by ClinVar (database versions not stated): gnomAD 0.00055 and 0.00072; TOPMed 0.00087; gnomAD exomes 0.00115; ExAC 0.00217; 1000 Genomes Project 30x 0.00234; 1000 Genomes Project 0.00300.
gnomAD v4.1: 1,210 of 1,567,366 alleles (0.077%); highest among the groups gnomAD compares: South Asian, 0.46%; 137 homozygotes.

Submissions (14):

Women's Health and Genetics/Laboratory Corporation of America, LabCorp
Classification: Likely benign. Last evaluated: 2026-05-12. Review status: criteria provided, single submitter. Criteria: LabCorp Variant Classification Summary - May 2015. Collection method: clinical testing. Allele origin: germline.

CeGaT Center for Human Genetics Tuebingen
Classification: Likely benign. Last evaluated: 2026-05-01. Review status: criteria provided, single submitter. Criteria: CeGaT Center For Human Genetics Tuebingen Variant Classification Criteria Version 2. Collection method: clinical testing. Allele origin: germline. Affected: yes. Observed: 3 variant alleles.
Comment: COL11A2: BP4, BS2

Labcorp Genetics (formerly Invitae), Labcorp
Classification: Benign. Last evaluated: 2026-02-02. Review status: criteria provided, single submitter. Criteria: Invitae Variant Classification Sherloc (09022015). Collection method: clinical testing. Allele origin: germline.

Blueprint Genetics
Classification: Benign. Last evaluated: 2024-11-25. Review status: criteria provided, single submitter. Criteria: ACMG Guidelines, 2015. Collection method: clinical testing. Allele origin: germline.

ARUP Laboratories, Molecular Genetics and Genomics, ARUP Laboratories
Classification: Benign. Last evaluated: 2024-01-31. Review status: criteria provided, single submitter. Criteria: ARUP Molecular Germline Variant Investigation Process 2024. Collection method: clinical testing. Allele origin: germline.

Genome Diagnostics Laboratory, The Hospital for Sick Children
Classification: Benign for Connective tissue disorder. Last evaluated: 2021-11-29. Review status: criteria provided, single submitter. Criteria: ACMG Guidelines, 2015. Collection method: clinical testing. Allele origin: germline.

Athena Diagnostics
Classification: Benign. Last evaluated: 2019-05-15. Review status: criteria provided, single submitter. Criteria: Athena Diagnostics Criteria. Collection method: clinical testing. Allele origin: germline.

Illumina Laboratory Services, Illumina
Classification: Likely benign for Otospondylomegaepiphyseal dysplasia, autosomal recessive. Last evaluated: 2018-01-13. Review status: criteria provided, single submitter. Criteria: ICSL Variant Classification Criteria 13 December 2019. Collection method: clinical testing. Allele origin: germline.
Comment: This variant was observed in the ICSL laboratory as part of a predisposition screen in an ostensibly healthy population. It had not been previously curated by ICSL or reported in the Human Gene Mutation Database (HGMD: prior to June 1st, 2018), and was therefore a candidate for classification through an automated scoring system. Utilizing variant allele frequency, disease prevalence and penetrance estimates, and inheritance mode, an automated score was calculated to assess if this variant is too frequent to cause the disease. Based on the score and internal cut-off values, a variant classified as likely benign is not then subjected to further curation. The score for this variant resulted in a classification of likely benign for this disease.

Illumina Laboratory Services, Illumina
Classification: Likely benign for Fibrochondrogenesis 2. Last evaluated: 2018-01-13. Review status: criteria provided, single submitter. Criteria: ICSL Variant Classification Criteria 13 December 2019. Collection method: clinical testing. Allele origin: germline.
Comment: the same text as in the submission from Illumina Laboratory Services, Illumina above.

GeneDx
Classification: Benign. Last evaluated: 2017-09-08. Review status: criteria provided, single submitter. Criteria: GeneDx Variant Classification (06012015). Collection method: clinical testing. Allele origin: germline. Affected: yes.
Comment: This variant is considered likely benign or benign based on one or more of the following criteria: it is a conservative change, it occurs at a poorly conserved position in the protein, it is predicted to be benign by multiple in silico algorithms, and/or has population frequency not consistent with disease.

Laboratory for Molecular Medicine, Mass General Brigham Personalized Medicine
Classification: Benign. Last evaluated: 2016-01-21. Review status: criteria provided, single submitter. Criteria: LMM Criteria. Collection method: clinical testing. Allele origin: germline. Observed: 6 variant alleles.
Comment: p.Glu1628Asp in exon 65 of COL11A2: This variant is not expected to have clinica l significance because it has been identified in 1% (20/2022) of East Asian and in 0.6% (45/6934) of South Asian chromosomes by the Exome Aggregation Consortium (ExAC; dbSNP rs2229790).

Eurofins Ntd Llc (ga)
Classification: Likely benign. Last evaluated: 2015-08-19. Review status: criteria provided, single submitter. Criteria: EGL Classification Definitions 2015. Collection method: clinical testing. Allele origin: germline.

Breakthrough Genomics
Classification: Likely benign. Review status: criteria provided, single submitter. Criteria: ACMG Guidelines, 2015. Collection method: not provided. Allele origin: germline. Inheritance: Autosomal recessive inheritance. Affected: yes.

PreventionGenetics, part of Exact Sciences
Classification: Benign for COL11A2-related condition. Last evaluated: 2020-12-16. Review status: no assertion criteria provided. Collection method: clinical testing. Allele origin: germline. Not counted in ClinVar's aggregate classification.
Comment: This variant is classified as benign based on ACMG/AMP sequence variant interpretation guidelines (Richards et al. 2015 PMID: 25741868, with internal and published modifications).

NM_080680.3(COL11A2):c.4884G>C (p.Glu1628Asp)

Gene: COL11A2 (collagen type XI alpha 2 chain; minus strand). Cytogenetic location: 6p21.32.
Variant type: single nucleotide variant.
Coding change: c.4884G>C on transcript NM_080680.3 (MANE Select); coding-DNA position 4884, G replaced by C.
Protein change: p.Glu1628Asp; replaces glutamic acid 1628 with aspartic acid.
Molecular consequence: missense variant.
Genome position (GRCh38, 1-based): chr6:33,164,453, C>G on the plus strand (G>C on the coding strand, the complement: COL11A2 is on the minus strand). VCF-style: chr6-33164453-C-G. GRCh37 (hg19) VCF-style: chr6-33132230-C-G.
Other names: c.4563G>C, p.Glu1521Asp (NM_080679.3); c.4626G>C, p.Glu1542Asp (NM_080681.3); short protein forms E1628D, E1542D, E1521D.
Identifiers: ClinVar variation 178663 (VCV000178663.44), dbSNP rs2229790, ClinGen allele CA182752.